The following is an entry in ClinVar:

ClinVar aggregate classification (germline): Pathogenic. Review status: criteria provided, multiple submitters, no conflicts (2 of 4 stars). 2 submissions from 2 submitters: Pathogenic (2). Last evaluated 2023-05-08.

Conditions:
Familial adenomatous polyposis 1 (FAP1). Also called: POLYPOSIS, ADENOMATOUS INTESTINAL; FAMILIAL ADENOMATOUS POLYPOSIS 1, ATTENUATED. Identifiers: MedGen C2713442, MONDO:0021056, OMIM 175100. Disease mechanism: loss of function.

Submissions (2):

Myriad Genetics, Inc.
Classification: Pathogenic for Familial adenomatous polyposis 1. Last evaluated: 2023-05-08. Review status: criteria provided, single submitter. Criteria: Myriad Autosomal Dominant, Autosomal Recessive and X-Linked Classification Criteria (2023). Collection method: clinical testing. Allele origin: unknown.
Comment: This variant is considered pathogenic. This variant creates a frameshift predicted to result in premature protein truncation.

Labcorp Genetics (formerly Invitae), Labcorp
Classification: Pathogenic for Familial adenomatous polyposis 1. Last evaluated: 2022-01-01. Review status: criteria provided, single submitter. Criteria: Invitae Variant Classification Sherloc (09022015). Collection method: clinical testing. Allele origin: germline.
Comment: This sequence change creates a premature translational stop signal (p.Ala1107Serfs*12) in the APC gene. While this is not anticipated to result in nonsense mediated decay, it is expected to disrupt the last 1737 amino acid(s) of the APC protein. This variant is not present in population databases (gnomAD no frequency). This premature translational stop signal has been observed in individual(s) with clinical features of familial adenomatous polyposis (FAP) (PMID: 20685668). A different truncation (p.Tyr2645Lysfs*14) that lies downstream of this variant has been determined to be pathogenic (PMID: 9824584, 1316610, 27081525, 8381579, 22135120, Invitae). This suggests that deletion of this region of the APC protein is causative of disease. For these reasons, this variant has been classified as Pathogenic. This variant is expected to disrupt the EB1 and HDLG binding sites, which mediate interactions with the cytoskeleton (PMID: 15311282, 17293347). While functional studies have not been performed to directly test the effect on APC protein function, this suggests that disruption of the C-terminal portion of the protein is functionally important.

Literature cited by the submitters: PubMed 20685668 (cited by Labcorp Genetics (formerly Invitae), Labcorp); PubMed 9824584 (cited by Labcorp Genetics (formerly Invitae), Labcorp); PubMed 1316610 (cited by Labcorp Genetics (formerly Invitae), Labcorp); PubMed 27081525 (cited by Labcorp Genetics (formerly Invitae), Labcorp); PubMed 8381579 (cited by Labcorp Genetics (formerly Invitae), Labcorp); PubMed 22135120 (cited by Labcorp Genetics (formerly Invitae), Labcorp); PubMed 15311282 (cited by Labcorp Genetics (formerly Invitae), Labcorp); PubMed 17293347 (cited by Labcorp Genetics (formerly Invitae), Labcorp).

NM_000038.6(APC):c.3317dup (p.Ala1107fs)

Gene: APC (APC regulator of Wnt signaling pathway; plus strand). Cytogenetic location: 5q22.2.
Variant type: Duplication.
Coding change: c.3317dup on transcript NM_000038.6 (MANE Select); coding-DNA position 3317, one base duplicated (G; older notation c.3317dupG).
Protein change: p.Ala1107fs; shifts the reading frame from alanine 1107.
Molecular consequence: frameshift variant.
Genome position (GRCh38, 1-based): chr5:112,838,911, G duplicated; the last of 4 consecutive G bases (chr5:112,838,908-112,838,911); duplicating any one gives the same sequence. VCF-style (leftmost placement, unchanged base first): chr5-112838907-C-CG. GRCh37 (hg19) VCF-style: chr5-112174604-C-CG.
Other names: c.3317dup, p.Ala1107fs (NM_001127510.3, NM_001354895.2); c.3263dup, p.Ala1089fs (NM_001127511.3); c.3371dup, p.Ala1125fs (NM_001354896.2); c.3347dup, p.Ala1117fs (NM_001354897.2); c.3242dup, p.Ala1082fs (NM_001354898.2); c.3233dup, p.Ala1079fs (NM_001354899.2); c.3194dup, p.Ala1066fs (NM_001354900.2); c.3140dup, p.Ala1048fs (NM_001354901.2); and 16 more; short protein forms A1006fs, A1016fs, A1048fs, A1082fs, A1117fs, A981fs, A1066fs, A1107fs.
Identifiers: ClinVar variation 2203688 (VCV002203688.5), dbSNP rs1561583917, ClinGen allele CA658760902.
Genomic context (GRCh38, chr5:112,838,907, plus strand): 5'-AAACACCTCAAGTTCCAACCACATTTTGGACAGCAGGAATGTGTTTCTCCATACAGGTCA[C>CG]GGGGAGCCAATGGTTCAGAAACAAATCGAGTGGGTTCTAATCATGGAATTAATCAAAATG-3'